The following is an entry in ClinVar:

NC_000003.11:g.(?_192053130)_(192126012_?)del

Gene: FGF12 (fibroblast growth factor 12; minus strand). Cytogenetic location: 3q28.
Variant type: Deletion.
Identifiers: ClinVar variation 2426650 (VCV002426650.4).

ClinVar aggregate classification (germline): Uncertain significance (1 of 4 stars; one submission).

Submission:

Labcorp Genetics (formerly Invitae), Labcorp
Classification: Uncertain significance. Last evaluated: 2021-12-22. Review status: criteria provided, single submitter. Criteria: Invitae Variant Classification Sherloc (09022015). Collection method: clinical testing. Allele origin: germline.
Comment: In summary, the available evidence is currently insufficient to determine the role of this variant in disease. Therefore, it has been classified as a Variant of Uncertain Significance. Experimental studies and prediction algorithms are not available or were not evaluated, and the functional significance of this variant is currently unknown. This variant has not been reported in the literature in individuals affected with FGF12-related conditions. This variant is a gross deletion of the genomic region encompassing exon(s) 1-3 of the FGF12 gene, which includes the initiator codon. This deletion extends beyond the assayed region for this gene and therefore may encompass additional genes. It is expected to result in an absent or disrupted protein product. However, the current clinical and genetic evidence is not sufficient to establish whether loss-of-function variants in FGF12 cause disease.